The following is an entry in ClinVar:

ClinVar aggregate classification (germline): Conflicting classifications of pathogenicity. Review status: criteria provided, conflicting classifications (1 of 4 stars). 12 submissions from 12 submitters: Uncertain significance (5); Likely benign (6). 1 of the submissions does not count toward it. Last evaluated 2025-11-24.

Conditions:
Hereditary cancer. Identifiers: MedGen C1333600.
Hereditary cancer-predisposing syndrome. Also called: Tumor predisposition; Neoplastic Syndromes, Hereditary; Hereditary neoplastic syndrome; Hereditary Cancer Syndrome. Identifiers: Orphanet 140162, MedGen C0027672, MeSH D009386, MONDO:0015356.
Hereditary breast ovarian cancer syndrome. Also called: Hereditary breast and ovarian cancer; Hereditary breast and ovarian cancer syndrome (HBOC); Hereditary breast and/or ovarian cancer syndrome; Breast and ovarian cancer; Hereditary breast and ovarian cancer syndrome; BRCA1- and BRCA2-Associated Hereditary Breast and Ovarian Cancer. Identifiers: Orphanet 145, MedGen C0677776, MeSH D061325, MONDO:0003582. Disease mechanism: loss of function.
Breast-ovarian cancer, familial, susceptibility to, 2 (BROVCA2). Also called: BRCA2 Hereditary Breast and Ovarian Cancer. Identifiers: Orphanet 145, MedGen C2675520, MONDO:0012933, OMIM 612555. Disease mechanism: loss of function.

Allele frequency attached by ClinVar (database versions not stated): gnomAD 0.00001; gnomAD exomes 0.00001 and 0.00002; TOPMed 0.00001; ExAC 0.00002.
gnomAD v4.1: 12 of 1,613,792 alleles (0.00074%); highest among the groups gnomAD compares: South Asian, 0.0022%; no homozygotes.

Submissions (12):

Labcorp Genetics (formerly Invitae), Labcorp
Classification: Uncertain significance for Hereditary breast ovarian cancer syndrome. Last evaluated: 2025-11-24. Review status: criteria provided, single submitter. Criteria: Invitae Variant Classification Sherloc (09022015). Collection method: clinical testing. Allele origin: germline.
Comment: This sequence change replaces isoleucine, which is neutral and non-polar, with threonine, which is neutral and polar, at codon 1808 of the BRCA2 protein (p.Ile1808Thr). This variant is present in population databases (rs397507350, gnomAD 0.006%). This missense change has been observed in individual(s) with breast and/or ovarian cancer (PMID: 32438681, 34178674). ClinVar contains an entry for this variant (Variation ID: 37964). Invitae Evidence Modeling of protein sequence and biophysical properties (such as structural, functional, and spatial information, amino acid conservation, physicochemical variation, residue mobility, and thermodynamic stability) indicates that this missense variant is not expected to disrupt BRCA2 protein function with a negative predictive value of 95%. In summary, the available evidence is currently insufficient to determine the role of this variant in disease. Therefore, it has been classified as a Variant of Uncertain Significance.

Mendelics
Classification: Likely benign for Hereditary cancer. Last evaluated: 2024-09-11. Review status: criteria provided, single submitter. Criteria: ACMG Guidelines, 2015. Collection method: clinical testing. Allele origin: unknown.
Comment: This variant is considered likely benign or benign based on one or more of the following: it is predicted to be benign by multiple in silico algorithms, and/or has population frequency not consistent with disease, and/or has normal protein function, and/or has lack of segregation with disease, and/or has been detected in co-occurrence with known pathogenic variant, and/or has lack of disease association in case-control studies, and/or is located in a region inconsistent with a known cause of pathogenicity.

All of Us Research Program, National Institutes of Health
Classification: Likely benign for Breast-ovarian cancer, familial, susceptibility to, 2. Last evaluated: 2023-12-01. Review status: criteria provided, single submitter. Criteria: ACMG Guidelines, 2015. Collection method: clinical testing. Allele origin: germline. Inheritance: Autosomal dominant inheritance. Observed: 3 variant alleles, 3 heterozygotes.
Comment: This study involves interpretation of variants in research participants for the purpose of population health screening. Participant phenotype was not available at the time of variant classification. Additional details can be found in publication PMID: 35346344, PMCID: PMC8962531

University of Washington Department of Laboratory Medicine, University of Washington
Classification: Likely benign for Hereditary cancer-predisposing syndrome. Last evaluated: 2023-03-23. Review status: criteria provided, single submitter. Criteria: Dines et al. (Genet Med. 2020). Collection method: curation. Allele origin: germline.
Comment: Missense variant in a coldspot region where missense variants are very unlikely to be pathogenic (PMID:31911673).

BRCA2 exon 11 coldspot. Reclassification based on statistical prior probability.

Sema4
Classification: Uncertain significance for Hereditary cancer-predisposing syndrome. Last evaluated: 2021-06-22. Review status: criteria provided, single submitter. Criteria: Sema4 Curation Guidelines. Collection method: curation. Allele origin: germline.
Comment: The BRCA2 c.5423T>C (p.I1808T) variant has been reported in heterozygosity in at least one individual with hereditary breast or ovarian cancer (PMID: 32438681). It was observed in 2/30608 chromosomes in the South Asian subpopulation in the large and broad cohorts of the Genome Aggregation Database (PMID: 32461654). The variant has been reported in ClinVar (Variation ID: 37964). In silico tools suggest the impact of the variant on protein function is benign, though these predictions have not been confirmed by functional studies. The evidence is insufficient to meet ACMG/AMP criteria for classifying the variant as benign or pathogenic. Thus, the clinical significance of this variant is currently uncertain.

Quest Diagnostics Nichols Institute San Juan Capistrano
Classification: Uncertain significance. Last evaluated: 2021-06-01. Review status: criteria provided, single submitter. Criteria: Quest Diagnostics criteria. Collection method: clinical testing. Allele origin: unknown.

Ambry Genetics
Classification: Likely benign for Hereditary cancer-predisposing syndrome. Last evaluated: 2018-11-14. Review status: criteria provided, single submitter. Criteria: Ambry Variant Classification Scheme 2023. Collection method: clinical testing. Allele origin: germline.

PreventionGenetics, part of Exact Sciences
Classification: Uncertain significance. Last evaluated: 2017-12-21. Review status: criteria provided, single submitter. Criteria: ACMG Guidelines, 2015. Collection method: clinical testing. Allele origin: germline.

GeneDx
Classification: Likely benign. Last evaluated: 2017-12-06. Review status: criteria provided, single submitter. Criteria: GeneDx Variant Classification (06012015). Collection method: clinical testing. Allele origin: germline. Affected: yes.
Comment: This variant is considered likely benign or benign based on one or more of the following criteria: it is a conservative change, it occurs at a poorly conserved position in the protein, it is predicted to be benign by multiple in silico algorithms, and/or has population frequency not consistent with disease.

Color Diagnostics, LLC DBA Color Health
Classification: Likely benign for Hereditary cancer-predisposing syndrome. Last evaluated: 2017-11-21. Review status: criteria provided, single submitter. Criteria: ACMG Guidelines, 2015. Collection method: clinical testing. Allele origin: germline.

Women's Health and Genetics/Laboratory Corporation of America, LabCorp
Classification: Uncertain significance. Last evaluated: 2016-02-22. Review status: criteria provided, single submitter. Criteria: LabCorp Variant Classification Summary - May 2015. Collection method: clinical testing. Allele origin: germline.
Comment: Variant summary: Variant affects a non-conserved nucleotide and results in a replacement of an medium size and hydrophobic Isoleucine (I) with a medium size and polar Threonine (T). 3/5 in silico tools predict the variant to be benign. It was found in the large and broad cohorts of the ExAC project at an allele frequency of 0.0024% which does not exceed the maximal expected allele frequency of a disease causing BRCA2 allele (0.075%). To our knowledge, the variant was not reported in patients and clinically relevant functional studies assessing the functional impact of the variant were not published either. One clinical diagnostic laboratory and one database classify variant as a VUS (without evidence to independently evaluate). Due to the lack of clinical data and functional studies, the variant was classified as a variant of uncertain significance until more information becomes available.

Sharing Clinical Reports Project (SCRP)
Classification: Uncertain significance for Breast-ovarian cancer, familial 2. Last evaluated: 2010-04-15. Review status: no assertion criteria provided. Collection method: clinical testing. Allele origin: germline. Not counted in ClinVar's aggregate classification.

Literature cited by the submitters: PubMed 32438681 (cited by 3 submitters); PubMed 34178674 (cited by Labcorp Genetics (formerly Invitae), Labcorp); PubMed 25415331 (cited by Quest Diagnostics Nichols Institute San Juan Capistrano and Women's Health and Genetics/Laboratory Corporation of America, LabCorp); PubMed 25348012 (cited by Quest Diagnostics Nichols Institute San Juan Capistrano and Women's Health and Genetics/Laboratory Corporation of America, LabCorp).

NM_000059.4(BRCA2):c.5423T>C (p.Ile1808Thr)

Gene: BRCA2 (BRCA2 DNA repair associated; plus strand). Cytogenetic location: 13q13.1.
Variant type: single nucleotide variant.
Coding change: c.5423T>C on transcript NM_000059.4 (MANE Select); coding-DNA position 5423, T replaced by C.
Protein change: p.Ile1808Thr; replaces isoleucine 1808 with threonine.
Molecular consequence: missense variant.
Genome position (GRCh38, 1-based): chr13:32,339,778, T>C. VCF-style: chr13-32339778-T-C. GRCh37 (hg19) VCF-style: chr13-32913915-T-C.
Other names: 5651T>C; short protein forms I1808T.
Identifiers: ClinVar variation 37964 (VCV000037964.25), dbSNP rs397507350, ClinGen allele CA022301.